The following is an entry in ClinVar:

NM_173630.4(RTTN):c.2536G>A (p.Val846Ile)

Gene: RTTN (rotatin; minus strand). Cytogenetic location: 18q22.2.
Variant type: single nucleotide variant.
Coding change: c.2536G>A on transcript NM_173630.4 (MANE Select); coding-DNA position 2536, G replaced by A.
Protein change: p.Val846Ile; replaces valine 846 with isoleucine.
Molecular consequence: missense variant. On other transcripts: 5 prime UTR variant (1).
Genome position (GRCh38, 1-based): chr18:70,142,333, C>T on the plus strand (G>A on the coding strand, the complement: RTTN is on the minus strand). VCF-style: chr18-70142333-C-T. GRCh37 (hg19) VCF-style: chr18-67809569-C-T.
Other names: c.-112G>A (NM_001318520.2); short protein forms V846I.
Identifiers: ClinVar variation 436609 (VCV000436609.25), dbSNP rs113536228, ClinGen allele CA8995838.

ClinVar aggregate classification (germline): Conflicting classifications of pathogenicity. Review status: criteria provided, conflicting classifications (1 of 4 stars). 6 submissions from 6 submitters: Uncertain significance (4); Likely benign (1). 1 of the submissions does not count toward it. Last evaluated 2026-06-11.

Conditions:
RTTN-related disorder. Also called: RTTN-related condition.

Allele frequency attached by ClinVar (database versions not stated): TOPMed 0.00093; gnomAD exomes 0.00006 and 0.00018; ESP Exome Variant Server 0.00109; 1000 Genomes Project 0.00120; gnomAD 0.00079 and 0.00082; 1000 Genomes Project 30x 0.00094; ExAC 0.00023.
gnomAD v4.1: 241 of 1,609,074 alleles (0.015%); highest among the groups gnomAD compares: African/African-American, 0.24%; 1 homozygote.

Submissions (6):

Women's Health and Genetics/Laboratory Corporation of America, LabCorp
Classification: Uncertain significance. Last evaluated: 2026-06-11. Review status: criteria provided, single submitter. Criteria: LabCorp Variant Classification Summary - May 2015. Collection method: clinical testing. Allele origin: germline.
Comment: Variant summary: RTTN c.2536G>A (p.Val846Ile) results in a conservative amino acid change in the encoded protein sequence. Algorithms developed to predict the effect of missense changes on protein structure and function all suggest that this variant is likely to be tolerated. The variant allele was found at a frequency of 0.00018 in 247260 control chromosomes, predominantly at a frequency of 0.0023 within the African or African-American subpopulation in the gnomAD database. This frequency is not significantly higher than estimated for disease-causing variants in RTTN, allowing no conclusion about variant significance. To our knowledge, no occurrence of c.2536G>A in individuals affected with RTTN-related conditions and no experimental evidence demonstrating its impact on protein function have been reported. ClinVar contains an entry for this variant (Variation ID: 436609). Based on the evidence outlined above, the variant was classified as uncertain significance.

Labcorp Genetics (formerly Invitae), Labcorp
Classification: Likely benign. Last evaluated: 2025-12-13. Review status: criteria provided, single submitter. Criteria: Invitae Variant Classification Sherloc (09022015). Collection method: clinical testing. Allele origin: germline.

GeneDx
Classification: Uncertain significance. Last evaluated: 2022-07-07. Review status: criteria provided, single submitter. Criteria: GeneDx Variant Classification Process June 2021. Collection method: clinical testing. Allele origin: germline. Affected: yes.
Comment: In silico analysis supports that this missense variant does not alter protein structure/function; Has not been previously published as pathogenic or benign to our knowledge

Eurofins Ntd Llc (ga)
Classification: Uncertain significance. Last evaluated: 2017-06-12. Review status: criteria provided, single submitter. Criteria: EGL Classification Definitions 2015. Collection method: clinical testing. Allele origin: germline. Observed: 1 variant allele, 1 heterozygote.

Genetic Services Laboratory, University of Chicago
Classification: Uncertain significance. Last evaluated: 2016-01-05. Review status: criteria provided, single submitter. Criteria: ACMG Guidelines, 2015. Collection method: clinical testing. Allele origin: germline. Affected: no.

PreventionGenetics, part of Exact Sciences
Classification: Likely benign for RTTN-related condition. Last evaluated: 2023-03-24. Review status: no assertion criteria provided. Collection method: clinical testing. Allele origin: germline. Not counted in ClinVar's aggregate classification.
Comment: This variant is classified as likely benign based on ACMG/AMP sequence variant interpretation guidelines (Richards et al. 2015 PMID: 25741868, with internal and published modifications).